The following is an entry in ClinVar:

ClinVar aggregate classification (germline): Benign. Review status: criteria provided, multiple submitters, no conflicts (2 of 4 stars). 3 submissions from 3 submitters: Benign (2). 1 of the submissions does not count toward it. Last evaluated 2021-06-11.

Conditions:
HAP1-related disorder. Also called: HAP1-related condition.

Allele frequency attached by ClinVar (database versions not stated): ESP Exome Variant Server 0.16070; TOPMed 0.16491; gnomAD 0.17238 and 0.18028; 1000 Genomes Project 30x 0.19379; 1000 Genomes Project 0.19888; gnomAD exomes 0.23328; ExAC 0.32403.
gnomAD v4.1: 359,727 of 1,584,764 alleles (23%); highest among the groups gnomAD compares: South Asian, 34%; 43,780 homozygotes.

Submissions (3):

GeneDx
Classification: Benign. Last evaluated: 2021-06-11. Review status: criteria provided, single submitter. Criteria: GeneDx Variant Classification Process June 2021. Collection method: clinical testing. Allele origin: germline. Affected: yes.
Comment: This variant is associated with the following publications: (PMID: 22698993, 18192679)

Breakthrough Genomics
Classification: Benign. Review status: criteria provided, single submitter. Criteria: ACMG Guidelines, 2015. Collection method: not provided. Allele origin: germline. Inheritance: Unknown mechanism. Affected: yes.

PreventionGenetics, part of Exact Sciences
Classification: Benign for HAP1-related condition. Last evaluated: 2019-10-24. Review status: no assertion criteria provided. Collection method: clinical testing. Allele origin: germline. Not counted in ClinVar's aggregate classification.
Comment: This variant is classified as benign based on ACMG/AMP sequence variant interpretation guidelines (Richards et al. 2015 PMID: 25741868, with internal and published modifications).

NM_177977.3(HAP1):c.1322C>T (p.Thr441Met)

Gene: HAP1 (huntingtin associated protein 1; minus strand). Cytogenetic location: 17q21.2.
Variant type: single nucleotide variant.
Coding change: c.1322C>T on transcript NM_177977.3 (MANE Select); coding-DNA position 1322, C replaced by T.
Protein change: p.Thr441Met; replaces threonine 441 with methionine.
Molecular consequence: missense variant.
Genome position (GRCh38, 1-based): chr17:41,727,098, G>A on the plus strand (C>T on the coding strand, the complement: HAP1 is on the minus strand). VCF-style: chr17-41727098-G-A. GRCh37 (hg19) VCF-style: chr17-39883350-G-A.
Other names: c.1271C>T, p.Thr424Met (NM_001079870.1); c.1247C>T, p.Thr416Met (NM_001079871.1, NM_001367461.1, NM_001367462.1); c.1418C>T, p.Thr473Met (NM_001367459.1); c.1382C>T, p.Thr461Met (NM_001367460.1); short protein forms T416M, T424M, T441M, T461M, T473M.
Identifiers: ClinVar variation 1242257 (VCV001242257.5), dbSNP rs4523977, ClinGen allele CA8564376.
Genomic context (GRCh38, chr17:41,727,098, plus strand): 5'-GCCCCAGCCACGCACCTCTCCATAAAATACACAGGGTCTGAGATCATCCTCCTTAGAGAC[G>A]TTCTGAGCTCCTCAGCCAGCGTCTCCTGGAAACCAGGAAGAGTCTCCTATGGTGGAGAGA-3'
Protein context (NP_817084.2, residues 431-451): FQETLAEELR[Thr441Met]SLRRMISDPV